The following is an entry in ClinVar:

ClinVar aggregate classification (germline): Uncertain significance (1 of 4 stars; one submission).

Conditions:
Hereditary pancreatitis (PCTT). Also called: PRSS1-Related Hereditary Pancreatitis; Hereditary chronic pancreatitis. Identifiers: Orphanet 676, MedGen C0238339, MONDO:0008185, OMIM 167800.

Submission:

Ambry Genetics
Classification: Uncertain significance for Hereditary pancreatitis. Last evaluated: 2021-06-30. Review status: criteria provided, single submitter. Criteria: Ambry Variant Classification Scheme 2023. Collection method: clinical testing. Allele origin: germline.
Comment: The p.D295E variant (also known as c.885C>A), located in coding exon 8 of the CPA1 gene, results from a C to A substitution at nucleotide position 885. The aspartic acid at codon 295 is replaced by glutamic acid, an amino acid with highly similar properties. This amino acid position is conserved. In addition, this alteration is predicted to be tolerated by in silico analysis. Since supporting evidence is limited at this time, the clinical significance of this alteration remains unclear.

NM_001868.4(CPA1):c.885C>A (p.Asp295Glu)

Gene: CPA1 (carboxypeptidase A1; plus strand). Cytogenetic location: 7q32.2.
Variant type: single nucleotide variant.
Coding change: c.885C>A on transcript NM_001868.4 (MANE Select); coding-DNA position 885, C replaced by A.
Protein change: p.Asp295Glu; replaces aspartic acid 295 with glutamic acid.
Molecular consequence: missense variant.
Genome position (GRCh38, 1-based): chr7:130,385,243, C>A. VCF-style: chr7-130385243-C-A. GRCh37 (hg19) VCF-style: chr7-130025084-C-A.
Other names: short protein forms D295E.
Identifiers: ClinVar variation 1764901 (VCV001764901.2), dbSNP rs1554411822, ClinGen allele CA369283591.